The following is an entry in ClinVar:

ClinVar aggregate classification (germline): Conflicting classifications of pathogenicity. Review status: criteria provided, conflicting classifications (1 of 4 stars). 3 submissions from 3 submitters: Uncertain significance (2); Likely benign (1). Last evaluated 2024-10-12.

Allele frequency attached by ClinVar (database versions not stated): TOPMed 0.00004; ESP Exome Variant Server 0.00008.
gnomAD v4.1: 7 of 1,611,620 alleles (0.00043%); highest among the groups gnomAD compares: Admixed American, 0.0017%; no homozygotes.

Submissions (3):

Ambry Genetics
Classification: Uncertain significance. Last evaluated: 2024-10-12. Review status: criteria provided, single submitter. Criteria: Ambry Variant Classification Scheme 2023. Collection method: clinical testing. Allele origin: germline.

GeneDx
Classification: Uncertain significance. Last evaluated: 2023-01-10. Review status: criteria provided, single submitter. Criteria: GeneDx Variant Classification Process June 2021. Collection method: clinical testing. Allele origin: germline. Affected: yes.
Comment: Not observed in large population cohorts (gnomAD); In silico analysis supports that this missense variant has a deleterious effect on protein structure/function; Has not been previously published as pathogenic or benign to our knowledge

Laboratory for Molecular Medicine, Mass General Brigham Personalized Medicine
Classification: Likely benign. Last evaluated: 2014-08-07. Review status: criteria provided, single submitter. Criteria: LMM Criteria. Collection method: clinical testing. Allele origin: germline. Observed: 1 variant allele.
Comment: Pro411Ser in exon 9 of CCDC50: This variant is not expected to have clinical sig nificance due to a lack of conservation across species, including mammals. Of no te, squirrel, dog, and star-nosed mole have a serine (Ser) at this position. In addition, computational prediction tools do not suggest a high likelihood of imp act to the protein. This variant has also been identified in 1/8598 of European American chromosomes by the NHLBI Exome Sequencing Project (dbSNP rs138707536).

NM_178335.3(CCDC50):c.1231C>T (p.Pro411Ser)

Gene: CCDC50 (coiled-coil domain containing 50; plus strand). Cytogenetic location: 3q28.
Variant type: single nucleotide variant.
Coding change: c.1231C>T on transcript NM_178335.3 (MANE Select); coding-DNA position 1231, C replaced by T.
Protein change: p.Pro411Ser; replaces proline 411 with serine.
Molecular consequence: missense variant.
Genome position (GRCh38, 1-based): chr3:191,380,921, C>T. VCF-style: chr3-191380921-C-T. GRCh37 (hg19) VCF-style: chr3-191098710-C-T.
Other names: c.703C>T, p.Pro235Ser (NM_174908.4); short protein forms P411S, P235S.
Identifiers: ClinVar variation 178292 (VCV000178292.9), dbSNP rs138707536, ClinGen allele CA182052.